The following is an entry in ClinVar:

NM_019616.4(F7):c.88C>T (p.His30Tyr)

Gene: F7 (coagulation factor VII; plus strand). Cytogenetic location: 13q34.
Variant type: single nucleotide variant.
Coding change: c.88C>T on transcript NM_019616.4 (MANE Select); coding-DNA position 88, C replaced by T.
Protein change: p.His30Tyr; replaces histidine 30 with tyrosine.
Molecular consequence: missense variant. On other transcripts: non-coding transcript variant (1), intron variant (1).
Genome position (GRCh38, 1-based): chr13:113,110,713, C>T. VCF-style: chr13-113110713-C-T. GRCh37 (hg19) VCF-style: chr13-113765027-C-T.
Other names: c.154C>T, p.His52Tyr (NM_000131.5); c.65-3134C>T (NM_001267554.2); short protein forms H30Y, H52Y.
Identifiers: ClinVar variation 2347986 (VCV002347986.5), dbSNP rs376971927, ClinGen allele CA7059861.

ClinVar aggregate classification (germline): Uncertain significance. Review status: criteria provided, multiple submitters, no conflicts (2 of 4 stars). 3 submissions from 3 submitters: Uncertain significance (3). Last evaluated 2025-10-23.

Conditions:
F7-related disorder. Also called: F7-related condition.
Inborn genetic diseases. Identifiers: MedGen C0950123, MeSH D030342.

Allele frequency attached by ClinVar (database versions not stated): gnomAD exomes 0.00002; ESP Exome Variant Server 0.00009; ExAC 0.00017; TOPMed 0.00026; gnomAD 0.00028; 1000 Genomes Project 0.00040; 1000 Genomes Project 30x 0.00047.
gnomAD v4.1: 76 of 1,548,664 alleles (0.0049%); highest among the groups gnomAD compares: African/African-American, 0.09%; no homozygotes.

Submissions (3):

PreventionGenetics, part of Exact Sciences
Classification: Uncertain significance for F7-related condition. Last evaluated: 2025-10-23. Review status: criteria provided, single submitter. Criteria: ACMG Guidelines, 2015. Collection method: clinical testing. Allele origin: germline.
Comment: The F7 c.154C>T variant is predicted to result in the amino acid substitution p.His52Tyr. To our knowledge, this variant has not been reported in the literature. This variant is reported in 0.11% of alleles in individuals of African descent in gnomAD. Although we suspect that this variant may be benign, at this time, the clinical significance of this variant is uncertain due to the absence of conclusive functional and genetic evidence.

Ambry Genetics
Classification: Uncertain significance for Inborn genetic diseases. Last evaluated: 2025-04-25. Review status: criteria provided, single submitter. Criteria: Ambry Variant Classification Scheme 2023. Collection method: clinical testing. Allele origin: germline.

Blueprint Genetics
Classification: Uncertain significance. Last evaluated: 2024-03-07. Review status: criteria provided, single submitter. Criteria: ACMG Guidelines, 2015. Collection method: clinical testing. Allele origin: germline.